The following is an entry in ClinVar:

ClinVar aggregate classification (germline): Uncertain significance (1 of 4 stars; one submission).

Submission:

Ambry Genetics
Classification: Uncertain significance. Last evaluated: 2023-07-12. Review status: criteria provided, single submitter. Criteria: Ambry Variant Classification Scheme 2023. Collection method: clinical testing. Allele origin: germline.
Comment: The p.L579V variant (also known as c.1735C>G), located in coding exon 11 of the POLQ gene, results from a C to G substitution at nucleotide position 1735. The leucine at codon 579 is replaced by valine, an amino acid with highly similar properties. This amino acid position is conserved. In addition, this alteration is predicted to be tolerated by in silico analysis. Since supporting evidence is limited at this time, the clinical significance of this alteration remains unclear.

NM_199420.4(POLQ):c.1735C>G (p.Leu579Val)

Gene: POLQ (DNA polymerase theta; minus strand). Cytogenetic location: 3q13.33.
Variant type: single nucleotide variant.
Coding change: c.1735C>G on transcript NM_199420.4 (MANE Select); coding-DNA position 1735, C replaced by G.
Protein change: p.Leu579Val; replaces leucine 579 with valine.
Molecular consequence: missense variant.
Genome position (GRCh38, 1-based): chr3:121,510,120, G>C on the plus strand (C>G on the coding strand, the complement: POLQ is on the minus strand). VCF-style: chr3-121510120-G-C. GRCh37 (hg19) VCF-style: chr3-121228967-G-C.
Other names: short protein forms L579V.
Identifiers: ClinVar variation 2625831 (VCV002625831.2), dbSNP rs576439796, ClinGen allele CA354114739.